The following is an entry in ClinVar:

NM_006084.5(IRF9):c.649+3A>G

Gene: IRF9 (interferon regulatory factor 9; plus strand). Cytogenetic location: 14q12.
Variant type: single nucleotide variant.
Coding change: c.649+3A>G on transcript NM_006084.5 (MANE Select); 3 bases into the intron after coding-DNA position 649, A replaced by G.
Molecular consequence: intron variant.
Genome position (GRCh38, 1-based): chr14:24,164,137, A>G. VCF-style: chr14-24164137-A-G. GRCh37 (hg19) VCF-style: chr14-24633346-A-G.
Other names: c.649+3A>G (NM_001385400.1, NM_001385401.1, NM_001385402.1).
Identifiers: ClinVar variation 2766452 (VCV002766452.3), dbSNP rs2038494714, ClinGen allele CA2624322322.

ClinVar aggregate classification (germline): Uncertain significance (1 of 4 stars; one submission).

Allele frequency attached by ClinVar (database versions not stated): gnomAD exomes below 0.00001.
gnomAD v4.1: 2 of 1,613,874 alleles (0.00012%); highest among the groups gnomAD compares: South Asian, 0.0011%; no homozygotes.

Submission:

Labcorp Genetics (formerly Invitae), Labcorp
Classification: Uncertain significance. Last evaluated: 2023-06-04. Review status: criteria provided, single submitter. Criteria: Invitae Variant Classification Sherloc (09022015). Collection method: clinical testing. Allele origin: germline.
Comment: In summary, the available evidence is currently insufficient to determine the role of this variant in disease. Therefore, it has been classified as a Variant of Uncertain Significance. This sequence change falls in intron 6 of the IRF9 gene. It does not directly change the encoded amino acid sequence of the IRF9 protein. It affects a nucleotide within the consensus splice site. This variant is not present in population databases (gnomAD no frequency). This variant has not been reported in the literature in individuals affected with IRF9-related conditions. Variants that disrupt the consensus splice site are a relatively common cause of aberrant splicing (PMID: 17576681, 9536098). Algorithms developed to predict the effect of sequence changes on RNA splicing suggest that this variant is not likely to affect RNA splicing.

Literature cited by the submitters: PubMed 17576681; PubMed 9536098.